The following is an entry in ClinVar:

ClinVar aggregate classification (germline): Uncertain significance (1 of 4 stars; one submission).

Allele frequency attached by ClinVar (database versions not stated): gnomAD exomes below 0.00001; gnomAD 0.00001; TOPMed 0.00002.
gnomAD v4.1: 8 of 1,612,784 alleles (0.0005%); highest among the groups gnomAD compares: African/African-American, 0.011%; no homozygotes.

Submission:

Labcorp Genetics (formerly Invitae), Labcorp
Classification: Uncertain significance. Last evaluated: 2023-09-01. Review status: criteria provided, single submitter. Criteria: Invitae Variant Classification Sherloc (09022015). Collection method: clinical testing. Allele origin: germline.
Comment: In summary, the available evidence is currently insufficient to determine the role of this variant in disease. Therefore, it has been classified as a Variant of Uncertain Significance. Advanced modeling of protein sequence and biophysical properties (such as structural, functional, and spatial information, amino acid conservation, physicochemical variation, residue mobility, and thermodynamic stability) performed at Invitae indicates that this missense variant is not expected to disrupt COL7A1 protein function. ClinVar contains an entry for this variant (Variation ID: 2192009). This variant has not been reported in the literature in individuals affected with COL7A1-related conditions. This variant is present in population databases (no rsID available, gnomAD 0.007%). This sequence change replaces valine, which is neutral and non-polar, with isoleucine, which is neutral and non-polar, at codon 768 of the COL7A1 protein (p.Val768Ile).

NM_000094.4(COL7A1):c.2302G>A (p.Val768Ile)

Gene: COL7A1 (collagen type VII alpha 1 chain; minus strand). Cytogenetic location: 3p21.31.
Variant type: single nucleotide variant.
Coding change: c.2302G>A on transcript NM_000094.4 (MANE Select); coding-DNA position 2302, G replaced by A.
Protein change: p.Val768Ile; replaces valine 768 with isoleucine.
Molecular consequence: missense variant.
Genome position (GRCh38, 1-based): chr3:48,589,339, C>T on the plus strand (G>A on the coding strand, the complement: COL7A1 is on the minus strand). VCF-style: chr3-48589339-C-T. GRCh37 (hg19) VCF-style: chr3-48626772-C-T.
Other names: short protein forms V768I.
Identifiers: ClinVar variation 2192009 (VCV002192009.3), dbSNP rs1465610347, ClinGen allele CA352723680.
Genomic context (GRCh38, chr3:48,589,339, plus strand): 5'-CAGGGTAGCTAATGCGGTGTGGCTAGTAGCTGGCCAGGGTCCACTCACCAGTCCTCACAA[C>T]CACAGAGGCAGGGGGCCCATCCACGCCAGCCACATGGGCCCTCACATGCACCGTATACTC-3'
Protein context (NP_000085.1, residues 758-778): AGVDGPPASV[Val768Ile]VRTAPEPVGR